The following is an entry in ClinVar:

ClinVar aggregate classification (germline): Pathogenic (1 of 4 stars; one submission).

Conditions:
VPS13A-related neurodegenerative disease. Also called: ACANTHOCYTOSIS WITH NEUROLOGIC DISORDER; LEVINE-CRITCHLEY SYNDROME; Choreoacanthocytosis; Chorea-acanthocytosis; Choreaacanthocytosis; VPS13A Disease. Identifiers: Orphanet 2388, MedGen C0393576, MONDO:0008695, OMIM 200150.

Submission:

Myriad Genetics, Inc.
Classification: Pathogenic for VPS13A-related neurodegenerative disease. Last evaluated: 2023-09-21. Review status: criteria provided, single submitter. Criteria: Myriad Autosomal Dominant, Autosomal Recessive and X-Linked Classification Criteria (2023). Collection method: clinical testing. Allele origin: unknown.
Comment: NM_033305.2(VPS13A):c.8168T>G(L2723*) is expected to be pathogenic in the context of VPS13A disease. This variant is predicted to lead to an abnormal or absent protein product due to the creation of a premature termination codon in VPS13A, a gene where loss-of-function variants are known to be pathogenic. Please note: this variant was assessed in the context of healthy population screening.

NM_033305.3(VPS13A):c.8168T>G (p.Leu2723Ter)

Gene: VPS13A (vacuolar protein sorting 13 homolog A; plus strand). Cytogenetic location: 9q21.2.
Variant type: single nucleotide variant.
Coding change: c.8168T>G on transcript NM_033305.3 (MANE Select); coding-DNA position 8168, T replaced by G.
Protein change: p.Leu2723Ter; replaces leucine 2723 with a stop codon.
Molecular consequence: nonsense.
Genome position (GRCh38, 1-based): chr9:77,360,598, T>G. VCF-style: chr9-77360598-T-G. GRCh37 (hg19) VCF-style: chr9-79975514-T-G.
Other names: c.8051T>G, p.Leu2684Ter (NM_001018037.2); c.8168T>G, p.Leu2723Ter (NM_001018038.3, NM_015186.4); short protein forms L2684*, L2723*.
Identifiers: ClinVar variation 5011699 (VCV005011699.1).